The following is an entry in ClinVar:

NM_001042424.3(NSD2):c.2009G>A (p.Cys670Tyr)

Gene: NSD2 (nuclear receptor binding SET domain protein 2; plus strand). Cytogenetic location: 4p16.3.
Variant type: single nucleotide variant.
Coding change: c.2009G>A on transcript NM_001042424.3 (MANE Select); coding-DNA position 2009, G replaced by A.
Protein change: p.Cys670Tyr; replaces cysteine 670 with tyrosine.
Molecular consequence: missense variant.
Genome position (GRCh38, 1-based): chr4:1,951,199, G>A. VCF-style: chr4-1951199-G-A. GRCh37 (hg19) VCF-style: chr4-1952926-G-A.
Other names: c.2009G>A, p.Cys670Tyr (NM_133330.3, NM_133331.3, NM_133335.4); short protein forms C670Y.
Identifiers: ClinVar variation 2500549 (VCV002500549.1), dbSNP rs2474602816, ClinGen allele CA355982467.

ClinVar aggregate classification (germline): Uncertain significance (1 of 4 stars; one submission).

Submission:

GeneDx
Classification: Uncertain significance. Last evaluated: 2022-10-28. Review status: criteria provided, single submitter. Criteria: GeneDx Variant Classification Process June 2021. Collection method: clinical testing. Allele origin: germline. Affected: yes.
Comment: Not observed at significant frequency in large population cohorts (gnomAD); In silico analysis supports that this missense variant has a deleterious effect on protein structure/function; Has not been previously published as pathogenic or benign to our knowledge